The following is an entry in ClinVar:

ClinVar aggregate classification (germline): Benign (1 of 4 stars; one submission).

Submission:

GeneDx
Classification: Benign. Last evaluated: 2018-06-14. Review status: criteria provided, single submitter. Criteria: GeneDx Variant Classification (06012015). Collection method: clinical testing. Allele origin: germline. Affected: yes.
Comment: This variant is considered likely benign or benign based on one or more of the following criteria: it is a conservative change, it occurs at a poorly conserved position in the protein, it is predicted to be benign by multiple in silico algorithms, and/or has population frequency not consistent with disease.

NM_182961.4(SYNE1):c.940-226_940-225dup

Gene: SYNE1 (spectrin repeat containing nuclear envelope protein 1; minus strand). Cytogenetic location: 6q25.2.
Variant type: Duplication.
Coding change: c.940-226_940-225dup on transcript NM_182961.4 (MANE Select); 226 bases into the intron before coding-DNA position 940 through 225 bases into the intron before coding-DNA position 940, 2 bases duplicated (AA; older notation c.940-226_940-225dupAA).
Molecular consequence: intron variant.
Genome position (GRCh38, 1-based): chr6:152,488,728-152,488,729, TT duplicated on the plus strand (AA on the coding strand, the reverse complement: SYNE1 is on the minus strand); duplicating any 2 consecutive bases within chr6:152,488,728-152,488,737 gives the same sequence; the c. name uses the placement nearest the transcript's 3' end. VCF-style (leftmost placement, unchanged base first): chr6-152488727-A-ATT. GRCh37 (hg19) VCF-style: chr6-152809862-A-ATT.
Other names: c.961-225_961-224insAA (NM_033071.3); c.961-226_961-225dup (NM_033071.5).
Identifiers: ClinVar variation 670583 (VCV000670583.1), dbSNP rs34808382, ClinGen allele CA150223395.